The following is an entry in ClinVar:

NM_001374828.1(ARID1B):c.3830G>A (p.Cys1277Tyr)

Gene: ARID1B (AT-rich interaction domain 1B; plus strand). Cytogenetic location: 6q25.3.
Variant type: single nucleotide variant.
Coding change: c.3830G>A on transcript NM_001374828.1 (MANE Select); coding-DNA position 3830, G replaced by A.
Protein change: p.Cys1277Tyr; replaces cysteine 1277 with tyrosine.
Molecular consequence: missense variant.
Genome position (GRCh38, 1-based): chr6:157,184,346, G>A. VCF-style: chr6-157184346-G-A. GRCh37 (hg19) VCF-style: chr6-157505480-G-A.
Other names: c.3581G>A, p.Cys1194Tyr (NM_001346813.1); c.1331G>A, p.Cys444Tyr (NM_001363725.2); c.3710G>A, p.Cys1237Tyr (NM_001371656.1, NM_001374820.1); c.3671G>A, p.Cys1224Tyr (NM_017519.3); c.3461G>A, p.Cys1154Tyr (NM_020732.3); c.3248G>A, p.Cys1083Tyr (NM_175863.2); short protein forms C1083Y, C1154Y, C1194Y, C1224Y, C1237Y, C1277Y, C444Y.
Identifiers: ClinVar variation 3027312 (VCV003027312.22), dbSNP rs1792802715, ClinGen allele CA366230490.

ClinVar aggregate classification (germline): Uncertain significance (1 of 4 stars; one submission).

Allele frequency attached by ClinVar (database versions not stated): TOPMed 0.00001.

Submission:

CeGaT Center for Human Genetics Tuebingen
Classification: Uncertain significance. Last evaluated: 2024-02-01. Review status: criteria provided, single submitter. Criteria: CeGaT Center For Human Genetics Tuebingen Variant Classification Criteria Version 2. Collection method: clinical testing. Allele origin: germline. Affected: yes. Observed: 1 variant allele.
Comment: ARID1B: PM2, PP2